The following is an entry in ClinVar:

ClinVar aggregate classification (germline): Likely benign. Review status: criteria provided, multiple submitters, no conflicts (2 of 4 stars). 3 submissions from 3 submitters: Likely benign (2). 1 of the submissions does not count toward it. Last evaluated 2025-11-24.

Conditions:
MLYCD-related disorder. Also called: MLYCD-related condition.
Deficiency of malonyl-CoA decarboxylase. Also called: Malonic aciduria; MCD deficiency. Identifiers: Orphanet 943, MedGen C0342793, MONDO:0009556, OMIM 248360.

Allele frequency attached by ClinVar (database versions not stated): gnomAD exomes 0.00002 and 0.00004; TOPMed 0.00002; ExAC 0.00004; gnomAD 0.00004; ESP Exome Variant Server 0.00016.

Submissions (3):

Labcorp Genetics (formerly Invitae), Labcorp
Classification: Likely benign for Deficiency of malonyl-CoA decarboxylase. Last evaluated: 2025-11-24. Review status: criteria provided, single submitter. Criteria: Invitae Variant Classification Sherloc (09022015). Collection method: clinical testing. Allele origin: germline.

Blueprint Genetics
Classification: Likely benign. Last evaluated: 2024-03-25. Review status: criteria provided, single submitter. Criteria: ACMG Guidelines, 2015. Collection method: clinical testing. Allele origin: germline.

PreventionGenetics, part of Exact Sciences
Classification: Likely benign for MLYCD-related condition. Last evaluated: 2023-09-15. Review status: no assertion criteria provided. Collection method: clinical testing. Allele origin: germline. Not counted in ClinVar's aggregate classification.
Comment: This variant is classified as likely benign based on ACMG/AMP sequence variant interpretation guidelines (Richards et al. 2015 PMID: 25741868, with internal and published modifications).

NM_012213.3(MLYCD):c.948+10A>G

Genes: MLYCD (malonyl-CoA decarboxylase; plus strand), LOC126862422 (CDK7 strongly-dependent group 2 enhancer GRCh37_chr16:83945234-83946433; plus strand). Cytogenetic location: 16q23.3.
Variant type: single nucleotide variant.
Coding change: c.948+10A>G on transcript NM_012213.3 (MANE Select); 10 bases into the intron after coding-DNA position 948, A replaced by G.
Molecular consequence: intron variant.
Genome position (GRCh38, 1-based): chr16:83,912,377, A>G. VCF-style: chr16-83912377-A-G. GRCh37 (hg19) VCF-style: chr16-83945982-A-G.
Identifiers: ClinVar variation 460448 (VCV000460448.14), dbSNP rs372958512, ClinGen allele CA8197440.